The following is an entry in ClinVar:

ClinVar aggregate classification (germline): Uncertain significance. Review status: criteria provided, multiple submitters, no conflicts (2 of 4 stars). 2 submissions from 2 submitters: Uncertain significance (2). Last evaluated 2026-01-25.

Conditions:
Hereditary cancer-predisposing syndrome. Also called: Hereditary neoplastic syndrome; Tumor predisposition; Neoplastic Syndromes, Hereditary; Hereditary Cancer Syndrome. Identifiers: Orphanet 140162, MedGen C0027672, MeSH D009386, MONDO:0015356.
Neuroblastoma, susceptibility to, 3. Also called: ALK-Related Neuroblastic Tumor Susceptibility. Identifiers: Orphanet 635, MedGen C2751681, MONDO:0013083, OMIM 613014.

Allele frequency attached by ClinVar (database versions not stated): gnomAD exomes below 0.00001 and 0.00001; ExAC 0.00001; gnomAD 0.00001; TOPMed 0.00002.
gnomAD v4.1: 2 of 1,614,042 alleles (0.00012%); highest among the groups gnomAD compares: African/African-American, 0.0013%; no homozygotes.

Submissions (2):

Labcorp Genetics (formerly Invitae), Labcorp
Classification: Uncertain significance for Neuroblastoma, susceptibility to, 3. Last evaluated: 2026-01-25. Review status: criteria provided, single submitter. Criteria: Invitae Variant Classification Sherloc (09022015). Collection method: clinical testing. Allele origin: germline.
Comment: This sequence change replaces glycine, which is neutral and non-polar, with arginine, which is basic and polar, at codon 410 of the ALK protein (p.Gly410Arg). This variant is present in population databases (rs764207516, gnomAD 0.007%). This variant has not been reported in the literature in individuals affected with ALK-related conditions. ClinVar contains an entry for this variant (Variation ID: 954757). An algorithm developed to predict the effect of missense changes on protein structure and function (PolyPhen-2) suggests that this variant is likely to be disruptive. In summary, the available evidence is currently insufficient to determine the role of this variant in disease. Therefore, it has been classified as a Variant of Uncertain Significance.

Ambry Genetics
Classification: Uncertain significance for Hereditary cancer-predisposing syndrome. Last evaluated: 2025-09-11. Review status: criteria provided, single submitter. Criteria: Ambry Variant Classification Scheme 2023. Collection method: clinical testing. Allele origin: germline.
Comment: The p.G410R variant (also known as c.1228G>A), located in coding exon 5 of the ALK gene, results from a G to A substitution at nucleotide position 1228. The glycine at codon 410 is replaced by arginine, an amino acid with dissimilar properties. This amino acid position is conserved. In addition, this alteration is predicted to be tolerated by in silico analysis. Since supporting evidence is limited at this time, the clinical significance of this alteration remains unclear.

NM_004304.5(ALK):c.1228G>A (p.Gly410Arg)

Gene: ALK (ALK receptor tyrosine kinase; minus strand). Cytogenetic location: 2p23.2.
Variant type: single nucleotide variant.
Coding change: c.1228G>A on transcript NM_004304.5 (MANE Select); coding-DNA position 1228, G replaced by A.
Protein change: p.Gly410Arg; replaces glycine 410 with arginine.
Molecular consequence: missense variant.
Genome position (GRCh38, 1-based): chr2:29,383,786, C>T on the plus strand (G>A on the coding strand, the complement: ALK is on the minus strand). VCF-style: chr2-29383786-C-T. GRCh37 (hg19) VCF-style: chr2-29606652-C-T.
Other names: short protein forms G410R.
Identifiers: ClinVar variation 954757 (VCV000954757.12), dbSNP rs764207516, ClinGen allele CA1594716.